The following is an entry in ClinVar:

NM_002354.3(EPCAM):c.272A>G (p.Asn91Ser)

Gene: EPCAM (epithelial cell adhesion molecule; plus strand). Cytogenetic location: 2p21.
Variant type: single nucleotide variant.
Coding change: c.272A>G on transcript NM_002354.3 (MANE Select); coding-DNA position 272, A replaced by G.
Protein change: p.Asn91Ser; replaces asparagine 91 with serine.
Molecular consequence: missense variant.
Genome position (GRCh38, 1-based): chr2:47,373,895, A>G. VCF-style: chr2-47373895-A-G. GRCh37 (hg19) VCF-style: chr2-47601034-A-G.
Other names: short protein forms N91S.
Identifiers: ClinVar variation 1795269 (VCV001795269.3), dbSNP rs755230402, ClinGen allele CA1648944.

ClinVar aggregate classification (germline): Uncertain significance. Review status: criteria provided, multiple submitters, no conflicts (2 of 4 stars). 2 submissions from 2 submitters: Uncertain significance (2). Last evaluated 2024-04-10.

Conditions:
Hereditary cancer-predisposing syndrome. Also called: Hereditary neoplastic syndrome; Neoplastic Syndromes, Hereditary; Tumor predisposition; Hereditary Cancer Syndrome. Identifiers: Orphanet 140162, MedGen C0027672, MeSH D009386, MONDO:0015356.

Allele frequency attached by ClinVar (database versions not stated): gnomAD exomes below 0.00001 and 0.00001; ExAC 0.00001; gnomAD 0.00002; TOPMed 0.00002 and 0.00003.
gnomAD v4.1: 23 of 1,614,066 alleles (0.0014%); highest among the groups gnomAD compares: Non-Finnish European, 0.0018%; no homozygotes.

Submissions (2):

Blueprint Genetics
Classification: Uncertain significance. Last evaluated: 2024-04-10. Review status: criteria provided, single submitter. Criteria: ACMG Guidelines, 2015. Collection method: clinical testing. Allele origin: germline.

Ambry Genetics
Classification: Uncertain significance for Hereditary cancer-predisposing syndrome. Last evaluated: 2024-02-20. Review status: criteria provided, single submitter. Criteria: Ambry Variant Classification Scheme 2023. Collection method: clinical testing. Allele origin: germline.
Comment: The p.N91S variant (also known as c.272A>G), located in coding exon 3 of the EPCAM gene, results from an A to G substitution at nucleotide position 272. The asparagine at codon 91 is replaced by serine, an amino acid with highly similar properties. This amino acid position is conserved. In addition, this alteration is predicted to be tolerated by in silico analysis. Since supporting evidence is limited at this time, the clinical significance of this alteration remains unclear.